The following is an entry in ClinVar:

NM_001024845.3(SLC6A9):c.807C>T (p.Asp269=)

Gene: SLC6A9 (solute carrier family 6 member 9; minus strand). Cytogenetic location: 1p34.1.
Variant type: single nucleotide variant.
Coding change: c.807C>T on transcript NM_001024845.3 (MANE Select); coding-DNA position 807, C replaced by T.
Protein change: p.Asp269=; no amino-acid change (aspartic acid 269 retained).
Molecular consequence: synonymous variant. On other transcripts: non-coding transcript variant (1).
Genome position (GRCh38, 1-based): chr1:44,002,563, G>A on the plus strand (C>T on the coding strand, the complement: SLC6A9 is on the minus strand). VCF-style: chr1-44002563-G-A. GRCh37 (hg19) VCF-style: chr1-44468235-G-A.
Other names: c.819C>T, p.Asp273= (NM_001261380.2); c.474C>T, p.Asp158= (NM_001328626.2, NM_001328630.2); c.744C>T, p.Asp248= (NM_001328627.1); c.612C>T, p.Asp204= (NM_001328628.1); c.807C>T, p.Asp269= (NM_001328629.1); c.864C>T, p.Asp288= (NM_006934.4); c.1026C>T, p.Asp342= (NM_201649.4).
Identifiers: ClinVar variation 1169776 (VCV001169776.14), dbSNP rs2248829, ClinGen allele CA817695.

ClinVar aggregate classification (germline): Benign. Review status: criteria provided, multiple submitters, no conflicts (2 of 4 stars). 4 submissions from 4 submitters: Benign (3). 1 of the submissions does not count toward it. Last evaluated 2026-02-01.

Conditions:
SLC6A9-related disorder. Also called: SLC6A9-related condition.
Atypical glycine encephalopathy. Also called: Glycine encephalopathy with normal serum glycine. Identifiers: Orphanet 289863, MedGen C4310943, MONDO:0015010, OMIM 617301.

Allele frequency attached by ClinVar (database versions not stated): ESP Exome Variant Server 0.13255; gnomAD exomes 0.11158; TOPMed 0.14427; 1000 Genomes Project 0.17372; ExAC 0.11265; gnomAD 0.13850 and 0.13947; 1000 Genomes Project 30x 0.17052.
gnomAD v4.1: 145,601 of 1,613,730 alleles (9%); highest among the groups gnomAD compares: African/African-American, 27%; 8,845 homozygotes.

Submissions (4):

Labcorp Genetics (formerly Invitae), Labcorp
Classification: Benign for Atypical glycine encephalopathy. Last evaluated: 2026-02-01. Review status: criteria provided, single submitter. Criteria: Invitae Variant Classification Sherloc (09022015). Collection method: clinical testing. Allele origin: germline.

GeneDx
Classification: Benign. Last evaluated: 2021-05-05. Review status: criteria provided, single submitter. Criteria: GeneDx Variant Classification Process June 2021. Collection method: clinical testing. Allele origin: germline. Affected: yes.

Breakthrough Genomics
Classification: Benign. Review status: criteria provided, single submitter. Criteria: ACMG Guidelines, 2015. Collection method: not provided. Allele origin: germline. Inheritance: Autosomal recessive inheritance. Affected: yes.

PreventionGenetics, part of Exact Sciences
Classification: Benign for SLC6A9-related condition. Last evaluated: 2021-03-22. Review status: no assertion criteria provided. Collection method: clinical testing. Allele origin: germline. Not counted in ClinVar's aggregate classification.
Comment: This variant is classified as benign based on ACMG/AMP sequence variant interpretation guidelines (Richards et al. 2015 PMID: 25741868, with internal and published modifications).